The following is an entry in ClinVar:

ClinVar aggregate classification (germline): Benign (1 of 4 stars; one submission).

Conditions:
Autoimmune lymphoproliferative syndrome type 1. Also called: AUTOIMMUNE LYMPHOPROLIFERATIVE SYNDROME, TYPE I, AUTOSOMAL DOMINANT. Identifiers: Orphanet 3261, MedGen C2717884, MONDO:0011158, OMIM 601859.

Allele frequency attached by ClinVar (database versions not stated): TOPMed 0.00016; 1000 Genomes Project 0.00040; gnomAD 0.00030 and 0.00032; 1000 Genomes Project 30x 0.00047.

Submission:

Illumina Laboratory Services, Illumina
Classification: Benign for Autoimmune lymphoproliferative syndrome type 1. Last evaluated: 2018-01-13. Review status: criteria provided, single submitter. Criteria: ICSL Variant Classification Criteria 13 December 2019. Collection method: clinical testing. Allele origin: germline.
Comment: This variant was observed in the ICSL laboratory as part of a predisposition screen in an ostensibly healthy population. It had not been previously curated by ICSL or reported in the Human Gene Mutation Database (HGMD: prior to June 1st, 2018), and was therefore a candidate for classification through an automated scoring system. Utilizing variant allele frequency, disease prevalence and penetrance estimates, and inheritance mode, an automated score was calculated to assess if this variant is too frequent to cause the disease. Based on the score and internal cut-off values, a variant classified as benign is not then subjected to further curation. The score for this variant resulted in a classification of benign for this disease.

NM_000639.3(FASLG):c.*725A>G

Gene: FASLG (Fas ligand; plus strand). Cytogenetic location: 1q24.3.
Variant type: single nucleotide variant.
Coding change: c.*725A>G on transcript NM_000639.3 (MANE Select); 725 bases downstream of the stop codon, A replaced by G.
Molecular consequence: 3 prime UTR variant.
Genome position (GRCh38, 1-based): chr1:172,666,741, A>G. VCF-style: chr1-172666741-A-G. GRCh37 (hg19) VCF-style: chr1-172635881-A-G.
Other names: c.*1141A>G (NM_001302746.2).
Identifiers: ClinVar variation 293755 (VCV000293755.5), dbSNP rs542205727, ClinGen allele CA10608306.
Genomic context (GRCh38, chr1:172,666,741, plus strand): 5'-TACATATTAGGAAAATATGGGTTGCATTTGGTCAAGATTTTGAATGCTTCCTGACAATCA[A>G]CTCTAATAGTGCTTAAAAATCATTGATTGTCAGCTACTAATGATGTTTTCCTATAATATA-3'